The following is an entry in ClinVar:

ClinVar aggregate classification (germline): Uncertain significance (1 of 4 stars; one submission).

Allele frequency attached by ClinVar (database versions not stated): gnomAD exomes below 0.00001; gnomAD 0.00003; TOPMed 0.00003.
gnomAD v4.1: 8 of 1,613,638 alleles (0.0005%); highest among the groups gnomAD compares: African/African-American, 0.011%; no homozygotes.

Submission:

Labcorp Genetics (formerly Invitae), Labcorp
Classification: Uncertain significance. Last evaluated: 2023-11-08. Review status: criteria provided, single submitter. Criteria: Invitae Variant Classification Sherloc (09022015). Collection method: clinical testing. Allele origin: germline.
Comment: This sequence change replaces lysine, which is basic and polar, with arginine, which is basic and polar, at codon 51 of the SEPT9 protein (p.Lys51Arg). This variant is present in population databases (no rsID available, gnomAD 0.007%). This variant has not been reported in the literature in individuals affected with SEPT9-related conditions. ClinVar contains an entry for this variant (Variation ID: 2445470). Advanced modeling of protein sequence and biophysical properties (such as structural, functional, and spatial information, amino acid conservation, physicochemical variation, residue mobility, and thermodynamic stability) performed at Invitae indicates that this missense variant is not expected to disrupt SEPT9 protein function with a negative predictive value of 80%. In summary, the available evidence is currently insufficient to determine the role of this variant in disease. Therefore, it has been classified as a Variant of Uncertain Significance.

NM_001113491.2(SEPTIN9):c.206A>G (p.Lys69Arg)

Gene: SEPTIN9 (septin 9; plus strand). Cytogenetic location: 17q25.3.
Variant type: single nucleotide variant.
Coding change: c.206A>G on transcript NM_001113491.2 (MANE Select); coding-DNA position 206, A replaced by G.
Protein change: p.Lys69Arg; replaces lysine 69 with arginine.
Molecular consequence: missense variant. On other transcripts: 5 prime UTR variant (2).
Genome position (GRCh38, 1-based): chr17:77,402,188, A>G. VCF-style: chr17-77402188-A-G. GRCh37 (hg19) VCF-style: chr17-75398270-A-G.
Other names: c.-287A>G (NM_001113492.2, NM_001113494.1); c.185A>G, p.Lys62Arg (NM_001113493.2); c.149A>G, p.Lys50Arg (NM_001293695.2); c.152A>G, p.Lys51Arg (NM_006640.5); short protein forms K50R, K51R, K62R, K69R.
Identifiers: ClinVar variation 2445470 (VCV002445470.4), dbSNP rs1345875612, ClinGen allele CA401205706.